The following is an entry in ClinVar:

ClinVar aggregate classification (germline): Uncertain significance (1 of 4 stars; one submission).

Conditions:
Inborn genetic diseases. Identifiers: MedGen C0950123, MeSH D030342.

Submission:

Ambry Genetics
Classification: Uncertain significance for Inborn genetic diseases. Last evaluated: 2024-12-14. Review status: criteria provided, single submitter. Criteria: Ambry Variant Classification Scheme 2023. Collection method: clinical testing. Allele origin: germline.
Comment: The p.S179P variant (also known as c.535T>C), located in coding exon 4 of the ELANE gene, results from a T to C substitution at nucleotide position 535. The serine at codon 179 is replaced by proline, an amino acid with similar properties. This amino acid position is conserved. In addition, the in silico prediction for this alteration is inconclusive. Based on the available evidence, the clinical significance of this variant remains unclear.

NM_001972.4(ELANE):c.535T>C (p.Ser179Pro)

Gene: ELANE (elastase, neutrophil expressed; plus strand). Cytogenetic location: 19p13.3.
Variant type: single nucleotide variant.
Coding change: c.535T>C on transcript NM_001972.4 (MANE Select); coding-DNA position 535, T replaced by C.
Protein change: p.Ser179Pro; replaces serine 179 with proline.
Molecular consequence: missense variant.
Genome position (GRCh38, 1-based): chr19:855,732, T>C. VCF-style: chr19-855732-T-C. GRCh37 (hg19) VCF-style: chr19-855732-T-C.
Other names: short protein forms S179P.
Identifiers: ClinVar variation 3844272 (VCV003844272.1).
Genomic context (GRCh38, chr19:855,732, plus strand): 5'-CTGGGCAGGAACCGTGGGATCGCCAGCGTCCTGCAGGAGCTCAACGTGACGGTGGTGACG[T>C]CCCTCTGCCGTCGCAGCAACGTCTGCACTCTCGTGAGGGGCCGGCAGGCCGGCGTCTGTT-3'
Protein context (NP_001963.1, residues 169-189): LQELNVTVVT[Ser179Pro]LCRRSNVCTL